The following is an entry in ClinVar:

NM_007294.4(BRCA1):c.5333-304G>A

Gene: BRCA1 (BRCA1 DNA repair associated; minus strand). Cytogenetic location: 17q21.31.
Variant type: single nucleotide variant.
Coding change: c.5333-304G>A on transcript NM_007294.4 (MANE Select); 304 bases into the intron before coding-DNA position 5333, G replaced by A.
Molecular consequence: intron variant.
Genome position (GRCh38, 1-based): chr17:43,049,498, C>T on the plus strand (G>A on the coding strand, the complement: BRCA1 is on the minus strand). VCF-style: chr17-43049498-C-T. GRCh37 (hg19) VCF-style: chr17-41201515-C-T.
Other names: IVS 21-304G>A; c.1880-304G>A (NM_001408458.1, NM_001408461.1, NM_001408464.1 and 7 more transcripts); c.4442-304G>A (NM_001407967.1); c.4952-304G>A (NM_001407959.1); c.5066-304G>A (NM_001407931.1, NM_001407932.1, NM_001407928.1 and 4 more transcripts); c.5189-304G>A (NM_001407747.1, NM_001407745.1, NM_001407737.1 and 18 more transcripts); c.4949-304G>A (NM_001407962.1, NM_001407960.1); c.1520-304G>A (NM_001408512.1); and 85 more.
Identifiers: ClinVar variation 209251 (VCV000209251.6), dbSNP rs55633264, ClinGen allele CA276223.

ClinVar aggregate classification (germline): Benign. Review status: reviewed by expert panel (3 of 4 stars). 3 submissions from 3 submitters: Benign (1). 2 of the submissions do not count toward it. Last evaluated 2015-01-12.

Conditions:
Breast-ovarian cancer, familial, susceptibility to, 1 (BROVCA1). Also called: BRCA1 Hereditary Breast and Ovarian Cancer; OVARIAN CANCER, SUSCEPTIBILITY TO. Identifiers: Orphanet 145, MedGen C2676676, MONDO:0011450, OMIM 604370. Disease mechanism: loss of function.
Hereditary cancer-predisposing syndrome. Also called: Tumor predisposition; Hereditary Cancer Syndrome; Neoplastic Syndromes, Hereditary; Hereditary neoplastic syndrome. Identifiers: Orphanet 140162, MedGen C0027672, MeSH D009386, MONDO:0015356.

Allele frequency attached by ClinVar (database versions not stated): gnomAD 0.00025 and 0.00053; TOPMed 0.00046; 1000 Genomes Project 30x 0.00234; 1000 Genomes Project 0.00260.
gnomAD v4.1: 79 of 152,254 alleles (0.052%); highest among the groups gnomAD compares: East Asian, 1.4%; 3 homozygotes.

Submissions (3):

Evidence-based Network for the Interpretation of Germline Mutant Alleles (ENIGMA)
Classification: Benign for Breast-ovarian cancer, familial 1. Last evaluated: 2015-01-12. Review status: reviewed by expert panel. Criteria: ENIGMA BRCA1/2 Classification Criteria (2015). Collection method: curation. Allele origin: germline.
Comment: Class 1 not pathogenic based on frequency >1% in an outbred sampleset. Frequency 0.01573 (Asian), derived from 1000 genomes (2012-04-30).

Color Diagnostics, LLC DBA Color Health
Classification: Benign for Hereditary cancer-predisposing syndrome. Last evaluated: 2015-04-21. Review status: criteria provided, single submitter. Criteria: ACMG Guidelines, 2015. Collection method: clinical testing. Allele origin: germline. Not counted in ClinVar's aggregate classification.

University of Washington Department of Laboratory Medicine, University of Washington
Classification: Likely benign for Hereditary cancer-predisposing syndrome. Last evaluated: 2015-12-01. Review status: no assertion criteria provided. Collection method: clinical testing. Allele origin: germline. Affected: yes. Not counted in ClinVar's aggregate classification.